The following is an entry in ClinVar:

NM_030761.5(WNT4):c.588+3A>G

Gene: WNT4 (Wnt family member 4; minus strand). Cytogenetic location: 1p36.12.
Variant type: single nucleotide variant.
Coding change: c.588+3A>G on transcript NM_030761.5 (MANE Select); 3 bases into the intron after coding-DNA position 588, A replaced by G.
Molecular consequence: intron variant.
Genome position (GRCh38, 1-based): chr1:22,121,208, T>C on the plus strand (A>G on the coding strand, the complement: WNT4 is on the minus strand). VCF-style: chr1-22121208-T-C. GRCh37 (hg19) VCF-style: chr1-22447701-T-C.
Identifiers: ClinVar variation 2867120 (VCV002867120.3), dbSNP rs2522376443, ClinGen allele CA2739272355.
Genomic context (GRCh38, chr1:22,121,208, plus strand): 5'-GAGTCTGGGGCCCTGCCCATGCTATCCCTACCCCGCTCTTGGTGGGGGGTAGTGCCACAC[T>C]ACCTTCCTGCCGGCCTCATTGTTGTGGAGGTTCATGAGGGCTCTGCTGGACGAGGCCCCC-3'

ClinVar aggregate classification (germline): Uncertain significance (1 of 4 stars; one submission).

Submission:

Labcorp Genetics (formerly Invitae), Labcorp
Classification: Uncertain significance. Last evaluated: 2023-12-20. Review status: criteria provided, single submitter. Criteria: Invitae Variant Classification Sherloc (09022015). Collection method: clinical testing. Allele origin: germline.
Comment: This sequence change falls in intron 4 of the WNT4 gene. It does not directly change the encoded amino acid sequence of the WNT4 protein. It affects a nucleotide within the consensus splice site. This variant is not present in population databases (gnomAD no frequency). This variant has not been reported in the literature in individuals affected with WNT4-related conditions. Variants that disrupt the consensus splice site are a relatively common cause of aberrant splicing (PMID: 17576681, 9536098). Algorithms developed to predict the effect of sequence changes on RNA splicing suggest that this variant may disrupt the consensus splice site. In summary, the available evidence is currently insufficient to determine the role of this variant in disease. Therefore, it has been classified as a Variant of Uncertain Significance.

Literature cited by the submitters: PubMed 17576681; PubMed 9536098.